The following is an entry in ClinVar:

ClinVar aggregate classification (germline): Uncertain significance (1 of 4 stars; one submission).

Conditions:
Familial thoracic aortic aneurysm and aortic dissection (TAAD). Also called: Thoracic aortic aneurysms and dissections. Identifiers: Orphanet 91387, MedGen C4707243, MONDO:0019625.

Submission:

Ambry Genetics
Classification: Uncertain significance for Familial thoracic aortic aneurysm and aortic dissection. Last evaluated: 2025-01-13. Review status: criteria provided, single submitter. Criteria: Ambry Variant Classification Scheme 2023. Collection method: clinical testing. Allele origin: germline.
Comment: The c.4943-5T>C intronic variant results from a T to C substitution 5 nucleotides upstream from coding exon 40 in the FBN1 gene. This nucleotide position is well conserved in available vertebrate species. In silico splice site analysis predicts that this alteration will not have any significant effect on splicing. Based on the available evidence, the clinical significance of this variant remains unclear.

NM_000138.5(FBN1):c.4943-5T>C

Gene: FBN1 (fibrillin 1; minus strand). Cytogenetic location: 15q21.1.
Variant type: single nucleotide variant.
Coding change: c.4943-5T>C on transcript NM_000138.5 (MANE Select); 5 bases into the intron before coding-DNA position 4943, T replaced by C.
Molecular consequence: intron variant.
Genome position (GRCh38, 1-based): chr15:48,464,026, A>G on the plus strand (T>C on the coding strand, the complement: FBN1 is on the minus strand). VCF-style: chr15-48464026-A-G. GRCh37 (hg19) VCF-style: chr15-48756223-A-G.
Other names: c.4943-5T>C (NM_001406716.1).
Identifiers: ClinVar variation 3849171 (VCV003849171.1).